The following is an entry in ClinVar:

NM_001184.4(ATR):c.4202C>T (p.Thr1401Ile)

Gene: ATR (ATR checkpoint kinase; minus strand). Cytogenetic location: 3q23.
Variant type: single nucleotide variant.
Coding change: c.4202C>T on transcript NM_001184.4 (MANE Select); coding-DNA position 4202, C replaced by T.
Protein change: p.Thr1401Ile; replaces threonine 1401 with isoleucine.
Molecular consequence: missense variant.
Genome position (GRCh38, 1-based): chr3:142,522,792, G>A on the plus strand (C>T on the coding strand, the complement: ATR is on the minus strand). VCF-style: chr3-142522792-G-A. GRCh37 (hg19) VCF-style: chr3-142241634-G-A.
Other names: c.4010C>T, p.Thr1337Ile (NM_001354579.2); short protein forms T1401I, T1337I.
Identifiers: ClinVar variation 1738667 (VCV001738667.2), dbSNP rs199851807, ClinGen allele CA2649906.

ClinVar aggregate classification (germline): Uncertain significance (1 of 4 stars; one submission).

Conditions:
Inborn genetic diseases. Identifiers: MedGen C0950123, MeSH D030342.

Allele frequency attached by ClinVar (database versions not stated): gnomAD 0.00001; gnomAD exomes 0.00001; TOPMed 0.00001; ExAC 0.00005.
gnomAD v4.1: 17 of 1,613,040 alleles (0.0011%); highest among the groups gnomAD compares: African/African-American, 0.0013%; no homozygotes.

Submission:

Ambry Genetics
Classification: Uncertain significance for Inborn genetic diseases. Last evaluated: 2024-02-12. Review status: criteria provided, single submitter. Criteria: Ambry Variant Classification Scheme 2023. Collection method: clinical testing. Allele origin: germline.
Comment: The p.T1401I variant (also known as c.4202C>T), located in coding exon 23 of the ATR gene, results from a C to T substitution at nucleotide position 4202. The threonine at codon 1401 is replaced by isoleucine, an amino acid with similar properties. This amino acid position is conserved. In addition, the in silico prediction for this alteration is inconclusive. Since supporting evidence is limited at this time, the clinical significance of this alteration remains unclear.